The following is an entry in ClinVar:

ClinVar aggregate classification (germline): Benign. Review status: criteria provided, multiple submitters, no conflicts (2 of 4 stars). 2 submissions from 2 submitters: Benign (2). Last evaluated 2017-04-27.

Conditions:
Premature ovarian failure 2B. Identifiers: MedGen C1845105, MONDO:0010373, OMIM 300604.

Allele frequency attached by ClinVar (database versions not stated): gnomAD exomes 0.01892; gnomAD 0.08372 and 0.08838; TOPMed 0.09571; 1000 Genomes Project 0.09722; 1000 Genomes Project 30x 0.09761.
gnomAD v4.1: 12,447 of 276,972 alleles (4.5%); highest among the groups gnomAD compares: African/African-American, 27%; 1,064 homozygotes.

Submissions (2):

Illumina Laboratory Services, Illumina
Classification: Benign for Premature ovarian failure 2B. Last evaluated: 2017-04-27. Review status: criteria provided, single submitter. Criteria: ICSL Variant Classification Criteria 13 December 2019. Collection method: clinical testing. Allele origin: germline.
Comment: This variant was observed as part of a predisposition screen in an ostensibly healthy population. A literature search was performed for the gene, cDNA change, and amino acid change (where applicable). No publications were found based on this search. Allele frequency data from public databases was too high to be consistent with this variant causing disease. Therefore, this variant is classified as benign.

Breakthrough Genomics
Classification: Benign. Review status: criteria provided, single submitter. Criteria: ACMG Guidelines, 2015. Collection method: not provided. Allele origin: germline. Inheritance: X-linked inheritance. Affected: yes.

NM_024921.4(POF1B):c.*268T>G

Gene: POF1B (POF1B actin binding protein; minus strand). Cytogenetic location: Xq21.1.
Variant type: single nucleotide variant.
Coding change: c.*268T>G on transcript NM_024921.4 (MANE Select); 268 bases downstream of the stop codon, T replaced by G.
Molecular consequence: 3 prime UTR variant.
Genome position (GRCh38, 1-based): chrX:85,279,153, A>C on the plus strand (T>G on the coding strand, the complement: POF1B is on the minus strand). VCF-style: chrX-85279153-A-C. GRCh37 (hg19) VCF-style: chrX-84534159-A-C.
Identifiers: ClinVar variation 368777 (VCV000368777.6), dbSNP rs12007581, ClinGen allele CA10654084.